The following is an entry in ClinVar:

NM_001040142.2(SCN2A):c.1421_1422delinsAA (p.Phe474Ter)

Gene: SCN2A (sodium voltage-gated channel alpha subunit 2; plus strand). Cytogenetic location: 2q24.3.
Variant type: Indel.
Coding change: c.1421_1422delinsAA on transcript NM_001040142.2 (MANE Select); coding-DNA positions 1421 to 1422, TC replaced by AA.
Protein change: p.Phe474Ter; replaces phenylalanine 474 with a stop codon.
Molecular consequence: nonsense.
Genome position (GRCh38, 1-based): chr2:165,315,508-165,315,509, TC replaced by AA. VCF-style: chr2-165315508-TC-AA. GRCh37 (hg19) VCF-style: chr2-166172018-TC-AA.
Other names: c.1421_1422delinsAA, p.Phe474Ter (NM_001040143.2, NM_001371246.1, NM_001371247.1 and 1 more transcripts); short protein forms F474*.
Identifiers: ClinVar variation 3345412 (VCV003345412.1).

ClinVar aggregate classification (germline): Likely pathogenic (0 of 4 stars; one submission).

Conditions:
SCN2A-related disorder. Also called: SCN2A-related condition; SCN2A-related disorders. Identifiers: MedGen CN382226, MONDO:1060245.

Submission:

PreventionGenetics, part of Exact Sciences
Classification: Likely pathogenic for SCN2A-related condition. Last evaluated: 2024-06-21. Review status: no assertion criteria provided. Collection method: clinical testing. Allele origin: germline.
Comment: The SCN2A c.1421_1422delinsAA variant is predicted to result in premature protein termination (p.Phe474*). To our knowledge, this variant has not been reported in the literature or in a large population database, indicating this variant is rare. Nonsense variants in SCN2A are expected to be pathogenic. This variant is interpreted as likely pathogenic.